The following is an entry in ClinVar:

NM_000541.5(SAG):c.848C>T (p.Thr283Met)

Gene: SAG (S-antigen visual arrestin; plus strand). Cytogenetic location: 2q37.1.
Variant type: single nucleotide variant.
Coding change: c.848C>T on transcript NM_000541.5 (MANE Select); coding-DNA position 848, C replaced by T.
Protein change: p.Thr283Met; replaces threonine 283 with methionine.
Molecular consequence: missense variant.
Genome position (GRCh38, 1-based): chr2:233,335,003, C>T. VCF-style: chr2-233335003-C-T. GRCh37 (hg19) VCF-style: chr2-234243649-C-T.
Other names: c.848C>T (NM_000541.4); short protein forms T283M.
Identifiers: ClinVar variation 1478753 (VCV001478753.10), dbSNP rs368777174, ClinGen allele CA2174563.

ClinVar aggregate classification (germline): Uncertain significance. Review status: criteria provided, multiple submitters, no conflicts (2 of 4 stars). 3 submissions from 3 submitters: Uncertain significance (3). Last evaluated 2025-06-23.

Conditions:
Inborn genetic diseases. Identifiers: MedGen C0950123, MeSH D030342.

Allele frequency attached by ClinVar (database versions not stated): gnomAD exomes 0.00001 and 0.00004; gnomAD 0.00002 and 0.00003; TOPMed 0.00004; ExAC 0.00005; ESP Exome Variant Server 0.00008; 1000 Genomes Project 30x 0.00016; 1000 Genomes Project 0.00020.
gnomAD v4.1: 24 of 1,614,008 alleles (0.0015%); highest among the groups gnomAD compares: East Asian, 0.016%; no homozygotes.

Submissions (3):

Labcorp Genetics (formerly Invitae), Labcorp
Classification: Uncertain significance. Last evaluated: 2025-06-23. Review status: criteria provided, single submitter. Criteria: Invitae Variant Classification Sherloc (09022015). Collection method: clinical testing. Allele origin: germline.
Comment: This sequence change replaces threonine, which is neutral and polar, with methionine, which is neutral and non-polar, at codon 283 of the SAG protein (p.Thr283Met). This variant is present in population databases (rs368777174, gnomAD 0.02%). This variant has not been reported in the literature in individuals affected with SAG-related conditions. ClinVar contains an entry for this variant (Variation ID: 1478753). Invitae Evidence Modeling of protein sequence and biophysical properties (such as structural, functional, and spatial information, amino acid conservation, physicochemical variation, residue mobility, and thermodynamic stability) indicates that this missense variant is not expected to disrupt SAG protein function with a negative predictive value of 80%. In summary, the available evidence is currently insufficient to determine the role of this variant in disease. Therefore, it has been classified as a Variant of Uncertain Significance.

Ambry Genetics
Classification: Uncertain significance for Inborn genetic diseases. Last evaluated: 2025-05-06. Review status: criteria provided, single submitter. Criteria: Ambry Variant Classification Scheme 2023. Collection method: clinical testing. Allele origin: germline.

Blueprint Genetics
Classification: Uncertain significance. Last evaluated: 2021-11-04. Review status: criteria provided, single submitter. Criteria: ACMG Guidelines, 2015. Collection method: clinical testing. Allele origin: germline.